The following is an entry in ClinVar:

NM_022168.4(IFIH1):c.1114C>G (p.Leu372Val)

Gene: IFIH1 (interferon induced with helicase C domain 1; minus strand). Cytogenetic location: 2q24.2.
Variant type: single nucleotide variant.
Coding change: c.1114C>G on transcript NM_022168.4 (MANE Select); coding-DNA position 1114, C replaced by G.
Protein change: p.Leu372Val; replaces leucine 372 with valine.
Molecular consequence: missense variant.
Genome position (GRCh38, 1-based): chr2:162,282,558, G>C on the plus strand (C>G on the coding strand, the complement: IFIH1 is on the minus strand). VCF-style: chr2-162282558-G-C. GRCh37 (hg19) VCF-style: chr2-163139068-G-C.
Other names: short protein forms L372V.
Identifiers: ClinVar variation 1484381 (VCV001484381.8), dbSNP rs587777576, ClinGen allele CA349003180.

ClinVar aggregate classification (germline): Uncertain significance (1 of 4 stars; one submission).

Conditions:
Singleton-Merten syndrome 1 (SGMRT1). Also called: Widened medullary cavities of bone, aortic calcification, abnormal dentition, and muscular weakness; Syndrome of widened medullary cavities of the metacarpals and phalanges, aortic calcification and abnormal dentition. Identifiers: Orphanet 85191, MedGen C4225427, MONDO:0024535, OMIM 182250.
Aicardi-Goutieres syndrome 7 (AGS7). Identifiers: Orphanet 51, MedGen C3888244, MONDO:0014367, OMIM 615846.

Submission:

Labcorp Genetics (formerly Invitae), Labcorp
Classification: Uncertain significance for Aicardi-Goutieres syndrome 7; Singleton-Merten syndrome 1. Last evaluated: 2024-02-24. Review status: criteria provided, single submitter. Criteria: Invitae Variant Classification Sherloc (09022015). Collection method: clinical testing. Allele origin: germline.
Comment: This sequence change replaces leucine, which is neutral and non-polar, with valine, which is neutral and non-polar, at codon 372 of the IFIH1 protein (p.Leu372Val). This variant is not present in population databases (gnomAD no frequency). This variant has not been reported in the literature in individuals affected with IFIH1-related conditions. ClinVar contains an entry for this variant (Variation ID: 1484381). Advanced modeling performed at Invitae incorporating data from internal and/or published experimental studies (Invitae) indicates that this missense variant is not expected to disrupt IFIH1 function with a negative predictive value of 95%. This variant disrupts the p.Leu372 amino acid residue in IFIH1. Other variant(s) that disrupt this residue have been determined to be pathogenic (PMID: 24995871). This suggests that this residue is clinically significant, and that variants that disrupt this residue are likely to be disease-causing. In summary, the available evidence is currently insufficient to determine the role of this variant in disease. Therefore, it has been classified as a Variant of Uncertain Significance.

Literature cited by the submitters: PubMed 24995871.